The following is an entry in ClinVar:

NM_000215.4(JAK3):c.58T>A (p.Ser20Thr)

Gene: JAK3 (Janus kinase 3; minus strand). Cytogenetic location: 19p13.11.
Variant type: single nucleotide variant.
Coding change: c.58T>A on transcript NM_000215.4 (MANE Select); coding-DNA position 58, T replaced by A.
Protein change: p.Ser20Thr; replaces serine 20 with threonine.
Molecular consequence: missense variant.
Genome position (GRCh38, 1-based): chr19:17,844,360, A>T on the plus strand (T>A on the coding strand, the complement: JAK3 is on the minus strand). VCF-style: chr19-17844360-A-T. GRCh37 (hg19) VCF-style: chr19-17955169-A-T.
Other names: c.58T>A (NM_000215.3); short protein forms S20T.
Identifiers: ClinVar variation 134577 (VCV000134577.2), dbSNP rs199773433, ClinGen allele CA160237.

ClinVar aggregate classification (germline): Uncertain significance. Review status: criteria provided, single submitter (1 of 4 stars). 2 submissions from 2 submitters: Uncertain significance (1). 1 of the submissions does not count toward it. Last evaluated 2023-10-03.

Conditions:
Inborn genetic diseases. Identifiers: MedGen C0950123, MeSH D030342.

Allele frequency attached by ClinVar (database versions not stated): gnomAD exomes below 0.00001 and 0.00001; ExAC 0.00001; gnomAD 0.00001; TOPMed 0.00002; 1000 Genomes Project 30x 0.00016; 1000 Genomes Project 0.00020.
gnomAD v4.1: 3 of 1,612,372 alleles (0.00019%); highest among the groups gnomAD compares: East Asian, 0.0067%; no homozygotes.

Submissions (2):

Ambry Genetics
Classification: Uncertain significance for Inborn genetic diseases. Last evaluated: 2023-10-03. Review status: criteria provided, single submitter. Criteria: Ambry Variant Classification Scheme 2023. Collection method: clinical testing. Allele origin: germline.

ITMI
No classification provided. Condition: AllHighlyPenetrant. Last evaluated: 2013-09-19. Review status: no classification provided. Collection method: reference population. Allele origin: germline. Not counted in ClinVar's aggregate classification.
Comment: Please see associated publication for description of ethnicities

Literature cited by the submitters: PubMed 24728327 (cited by ITMI).